The following is an entry in ClinVar:

NM_001253697.2(ERBIN):c.881C>G (p.Ser294Cys)

Gene: ERBIN (erbb2 interacting protein; plus strand). Cytogenetic location: 5q12.3.
Variant type: single nucleotide variant.
Coding change: c.881C>G on transcript NM_001253697.2 (MANE Select); coding-DNA position 881, C replaced by G.
Protein change: p.Ser294Cys; replaces serine 294 with cysteine.
Molecular consequence: missense variant.
Genome position (GRCh38, 1-based): chr5:66,025,543, C>G. VCF-style: chr5-66025543-C-G. GRCh37 (hg19) VCF-style: chr5-65321371-C-G.
Other names: c.881C>G, p.Ser294Cys (NM_001006600.3, NM_001253698.2, NM_001253699.2 and 2 more transcripts); short protein forms S294C.
Identifiers: ClinVar variation 1514255 (VCV001514255.8), dbSNP rs769168464, ClinGen allele CA3286070.

ClinVar aggregate classification (germline): Uncertain significance (1 of 4 stars; one submission).

Allele frequency attached by ClinVar (database versions not stated): gnomAD 0.00001.
gnomAD v4.1: 7 of 1,611,222 alleles (0.00043%); highest among the groups gnomAD compares: South Asian, 0.0055%; no homozygotes.

Submission:

Labcorp Genetics (formerly Invitae), Labcorp
Classification: Uncertain significance. Last evaluated: 2021-07-15. Review status: criteria provided, single submitter. Criteria: Invitae Variant Classification Sherloc (09022015). Collection method: clinical testing. Allele origin: germline.
Comment: This sequence change replaces serine with cysteine at codon 294 of the ERBIN protein (p.Ser294Cys). The serine residue is highly conserved and there is a moderate physicochemical difference between serine and cysteine. This variant is present in population databases (rs769168464, ExAC 0.01%). This variant has not been reported in the literature in individuals with ERBIN-related conditions. Algorithms developed to predict the effect of missense changes on protein structure and function are either unavailable or do not agree on the potential impact of this missense change (SIFT: "Deleterious"; PolyPhen-2: "Probably Damaging"; Align-GVGD: "Class C0"). In summary, the available evidence is currently insufficient to determine the role of this variant in disease. Therefore, it has been classified as a Variant of Uncertain Significance.